The following is an entry in ClinVar:

ClinVar aggregate classification (germline): Likely benign. Review status: reviewed by expert panel (3 of 4 stars). 3 submissions from 3 submitters: Likely benign (1). 2 of the submissions do not count toward it. Last evaluated 2017-06-29.

Conditions:
Hereditary cancer-predisposing syndrome. Also called: Hereditary Cancer Syndrome; Neoplastic Syndromes, Hereditary; Tumor predisposition; Hereditary neoplastic syndrome. Identifiers: Orphanet 140162, MedGen C0027672, MeSH D009386, MONDO:0015356.
Breast-ovarian cancer, familial, susceptibility to, 2 (BROVCA2). Also called: BRCA2 Hereditary Breast and Ovarian Cancer. Identifiers: Orphanet 145, MedGen C2675520, MONDO:0012933, OMIM 612555. Disease mechanism: loss of function.

Allele frequency attached by ClinVar (database versions not stated): gnomAD exomes below 0.00001.
gnomAD v4.1: 1 of 1,611,486 alleles (0.000062%); highest among the groups gnomAD compares: South Asian, 0.0011%; no homozygotes.

Submissions (3):

Evidence-based Network for the Interpretation of Germline Mutant Alleles (ENIGMA)
Classification: Likely benign for Breast-ovarian cancer, familial, susceptibility to, 2. Last evaluated: 2017-06-29. Review status: reviewed by expert panel. Criteria: ENIGMA BRCA1/2 Classification Criteria (2017-06-29). Collection method: curation. Allele origin: germline.
Comment: Synonymous substitution variant, with low bioinformatic likelihood to result in a splicing aberration (Splicing prior probability 0.02).

Color Diagnostics, LLC DBA Color Health
Classification: Likely benign for Hereditary cancer-predisposing syndrome. Last evaluated: 2024-06-24. Review status: criteria provided, single submitter. Criteria: ACMG Guidelines, 2015. Collection method: clinical testing. Allele origin: germline. Not counted in ClinVar's aggregate classification.

Ambry Genetics
Classification: Likely benign for Hereditary cancer-predisposing syndrome. Last evaluated: 2015-05-22. Review status: criteria provided, single submitter. Criteria: Ambry Variant Classification Scheme 2023. Collection method: clinical testing. Allele origin: germline. Not counted in ClinVar's aggregate classification.

NM_000059.4(BRCA2):c.8964T>C (p.Ser2988=)

Gene: BRCA2 (BRCA2 DNA repair associated; plus strand). Cytogenetic location: 13q13.1.
Variant type: single nucleotide variant.
Coding change: c.8964T>C on transcript NM_000059.4 (MANE Select); coding-DNA position 8964, T replaced by C.
Protein change: p.Ser2988=; no amino-acid change (serine 2988 retained).
Molecular consequence: synonymous variant.
Genome position (GRCh38, 1-based): chr13:32,379,760, T>C. VCF-style: chr13-32379760-T-C. GRCh37 (hg19) VCF-style: chr13-32953897-T-C.
Identifiers: ClinVar variation 232059 (VCV000232059.8), dbSNP rs876659529, ClinGen allele CA10579805.